The following is an entry in ClinVar:

ClinVar aggregate classification (germline): Uncertain significance (1 of 4 stars; one submission).

Submission:

Labcorp Genetics (formerly Invitae), Labcorp
Classification: Uncertain significance. Last evaluated: 2022-10-24. Review status: criteria provided, single submitter. Criteria: Invitae Variant Classification Sherloc (09022015). Collection method: clinical testing. Allele origin: germline.
Comment: This sequence change affects codon 2172 of the MYO7A mRNA. It is a 'silent' change, meaning that it does not change the encoded amino acid sequence of the MYO7A protein. This variant is not present in population databases (gnomAD no frequency). This variant has not been reported in the literature in individuals affected with MYO7A-related conditions. ClinVar contains an entry for this variant (Variation ID: 1045311). Algorithms developed to predict the effect of sequence changes on RNA splicing suggest that this variant may create or strengthen a splice site. In summary, the available evidence is currently insufficient to determine the role of this variant in disease. Therefore, it has been classified as a Variant of Uncertain Significance.

NM_000260.4(MYO7A):c.6516G>T (p.Gly2172=)

Gene: MYO7A (myosin VIIA; plus strand). Cytogenetic location: 11q13.5.
Variant type: single nucleotide variant.
Coding change: c.6516G>T on transcript NM_000260.4 (MANE Select); coding-DNA position 6516, G replaced by T.
Protein change: p.Gly2172=; no amino-acid change (glycine 2172 retained).
Molecular consequence: synonymous variant.
Genome position (GRCh38, 1-based): chr11:77,213,937, G>T. VCF-style: chr11-77213937-G-T. GRCh37 (hg19) VCF-style: chr11-76924982-G-T.
Other names: c.6396G>T, p.Gly2132= (NM_001127180.2); c.6369G>T, p.Gly2123= (NM_001369365.1).
Identifiers: ClinVar variation 1045311 (VCV001045311.6), dbSNP rs1958014072, ClinGen allele CA475792619.